The following is an entry in ClinVar:

NM_006612.6(KIF1C):c.714G>A (p.Ser238=)

Gene: KIF1C (kinesin family member 1C; plus strand). Cytogenetic location: 17p13.2.
Variant type: single nucleotide variant.
Coding change: c.714G>A on transcript NM_006612.6 (MANE Select); coding-DNA position 714, G replaced by A.
Protein change: p.Ser238=; no amino-acid change (serine 238 retained).
Molecular consequence: synonymous variant.
Genome position (GRCh38, 1-based): chr17:5,002,836, G>A. VCF-style: chr17-5002836-G-A. GRCh37 (hg19) VCF-style: chr17-4906131-G-A.
Identifiers: ClinVar variation 872584 (VCV000872584.50), dbSNP rs368886383, ClinGen allele CA8318651.

ClinVar aggregate classification (germline): Conflicting classifications of pathogenicity. Review status: criteria provided, conflicting classifications (1 of 4 stars). 3 submissions from 3 submitters: Uncertain significance (1); Benign (1); Likely benign (1). Last evaluated 2024-10-30.

Conditions:
Spastic ataxia 2. Also called: Ataxia, spastic, 2, autosomal recessive. Identifiers: Orphanet 397946, MedGen C1969796, MONDO:0012651, OMIM 611302.
Hereditary spastic paraplegia. Also called: Familial spastic paraparesis. Identifiers: Orphanet 685, MedGen C0037773, MONDO:0019064. Disease mechanism: loss of function.

Allele frequency attached by ClinVar (database versions not stated): gnomAD 0.00004 and 0.00005; gnomAD exomes 0.00004; TOPMed 0.00005; ExAC 0.00007; ESP Exome Variant Server 0.00008.
gnomAD v4.1: 46 of 1,604,030 alleles (0.0029%); highest among the groups gnomAD compares: Middle Eastern, 0.035%; no homozygotes.

Submissions (3):

Labcorp Genetics (formerly Invitae), Labcorp
Classification: Benign for Spastic ataxia 2. Last evaluated: 2024-10-30. Review status: criteria provided, single submitter. Criteria: Invitae Variant Classification Sherloc (09022015). Collection method: clinical testing. Allele origin: germline.

CeGaT Center for Human Genetics Tuebingen
Classification: Likely benign. Last evaluated: 2022-06-01. Review status: criteria provided, single submitter. Criteria: CeGaT Center For Human Genetics Tuebingen Variant Classification Criteria Version 2. Collection method: clinical testing. Allele origin: germline. Affected: yes. Observed: 2 variant alleles.
Comment: KIF1C: BP4, BP7

Genome Diagnostics Laboratory, The Hospital for Sick Children
Classification: Uncertain significance for Hereditary spastic paraplegia. Last evaluated: 2016-12-12. Review status: criteria provided, single submitter. Criteria: ACMG Guidelines, 2015. Collection method: clinical testing. Allele origin: germline. Affected: yes.